The following is an entry in ClinVar:

ClinVar aggregate classification (germline): Uncertain significance (1 of 4 stars; one submission).

Submission:

Labcorp Genetics (formerly Invitae), Labcorp
Classification: Uncertain significance. Last evaluated: 2024-04-02. Review status: criteria provided, single submitter. Criteria: Invitae Variant Classification Sherloc (09022015). Collection method: clinical testing. Allele origin: germline.
Comment: This sequence change replaces histidine, which is basic and polar, with arginine, which is basic and polar, at codon 415 of the STAG2 protein (p.His415Arg). This variant is not present in population databases (gnomAD no frequency). This variant has not been reported in the literature in individuals affected with STAG2-related conditions. Advanced modeling of protein sequence and biophysical properties (such as structural, functional, and spatial information, amino acid conservation, physicochemical variation, residue mobility, and thermodynamic stability) performed at Invitae indicates that this missense variant is not expected to disrupt STAG2 protein function with a negative predictive value of 80%. In summary, the available evidence is currently insufficient to determine the role of this variant in disease. Therefore, it has been classified as a Variant of Uncertain Significance.

NM_001042750.2(STAG2):c.1244A>G (p.His415Arg)

Gene: STAG2 (STAG2 cohesin complex component; plus strand). Cytogenetic location: Xq25.
Variant type: single nucleotide variant.
Coding change: c.1244A>G on transcript NM_001042750.2 (MANE Select); coding-DNA position 1244, A replaced by G.
Protein change: p.His415Arg; replaces histidine 415 with arginine.
Molecular consequence: missense variant.
Genome position (GRCh38, 1-based): chrX:124,056,175, A>G. VCF-style: chrX-124056175-A-G. GRCh37 (hg19) VCF-style: chrX-123190025-A-G.
Other names: c.1244A>G, p.His415Arg (NM_006603.5, NM_001375368.1, NM_001375369.1 and 13 more transcripts); short protein forms H415R.
Identifiers: ClinVar variation 3693129 (VCV003693129.2).
Genomic context (GRCh38, chrX:124,056,175, plus strand): 5'-GCTTATTTCTTAGGAGTAGTGAAGAAGTTCTCACTGCAGAAGATTGTGAAAATGTCTATC[A>G]TCTGGTTTATTCAGCTCACCGGCCAGTAGCAGTAGCAGCTGGAGAATTTCTCTACAAAAA-3'
Protein context (NP_001036215.1, residues 405-425): LTAEDCENVY[His415Arg]LVYSAHRPVA